The following is an entry in ClinVar:

NM_000540.3(RYR1):c.8340C>G (p.Asn2780Lys)

Genes: RYR1 (ryanodine receptor 1; plus strand), LOC126862902 (BRD4-independent group 4 enhancer GRCh37_chr19:38995830-38997029; plus strand). Cytogenetic location: 19q13.2.
Variant type: single nucleotide variant.
Coding change: c.8340C>G on transcript NM_000540.3 (MANE Select); coding-DNA position 8340, C replaced by G.
Protein change: p.Asn2780Lys; replaces asparagine 2780 with lysine.
Molecular consequence: missense variant.
Genome position (GRCh38, 1-based): chr19:38,505,338, C>G. VCF-style: chr19-38505338-C-G. GRCh37 (hg19) VCF-style: chr19-38995978-C-G.
Other names: c.8340C>G, p.Asn2780Lys (NM_001042723.2); short protein forms N2780K.
Identifiers: ClinVar variation 3704539 (VCV003704539.4).

ClinVar aggregate classification (germline): Uncertain significance. Review status: criteria provided, multiple submitters, no conflicts (2 of 4 stars). 3 submissions from 3 submitters: Uncertain significance (3). Last evaluated 2026-07-03.

Conditions:
RYR1-related disorder. Also called: RYR1-related condition; RYR1-related disorders. Identifiers: MedGen CN239331.
Malignant hyperthermia, susceptibility to, 1 (MHS1). Also called: Fulminating hyperpyrexia; Pharmacogenic myopathy; RYR1-Related Malignant Hyperthermia Susceptibility; Anesthesia related hyperthermia; Malignant hyperpyrexia; Malignant hyperthermia suceptibility 1. Identifiers: Orphanet 423, MedGen C2930980, MONDO:0007783, OMIM 145600.
Inborn genetic diseases. Identifiers: MedGen C0950123, MeSH D030342.

gnomAD v4.1: 4 of 1,612,396 alleles (0.00025%); highest among the groups gnomAD compares: Non-Finnish European, 0.00034%; no homozygotes.

Submissions (3):

Ambry Genetics
Classification: Uncertain significance for Inborn genetic diseases. Last evaluated: 2026-07-03. Review status: criteria provided, single submitter. Criteria: Ambry Variant Classification Scheme 2023. Collection method: clinical testing. Allele origin: germline.

Color Diagnostics, LLC DBA Color Health
Classification: Uncertain significance for Malignant hyperthermia, susceptibility to, 1. Last evaluated: 2025-06-23. Review status: criteria provided, single submitter. Criteria: ACMG Guidelines, 2015. Collection method: clinical testing. Allele origin: germline.
Comment: This missense variant replaces asparagine with lysine at codon 2780 of the RYR1 protein. Computational prediction suggests that this variant may not impact protein structure and function. To our knowledge, functional studies have not been reported for this variant. This variant has not been reported in individuals affected with RYR1-related disorders in the literature. This variant has not been identified in the general population by the Genome Aggregation Database (gnomAD). The available evidence is insufficient to determine the role of this variant in disease conclusively. Therefore, this variant is classified as a Variant of Uncertain Significance.

Labcorp Genetics (formerly Invitae), Labcorp
Classification: Uncertain significance for RYR1-related disorder. Last evaluated: 2024-12-19. Review status: criteria provided, single submitter. Criteria: Invitae Variant Classification Sherloc (09022015). Collection method: clinical testing. Allele origin: germline.
Comment: This sequence change replaces asparagine, which is neutral and polar, with lysine, which is basic and polar, at codon 2780 of the RYR1 protein (p.Asn2780Lys). This variant is not present in population databases (gnomAD no frequency). This variant has not been reported in the literature in individuals affected with RYR1-related conditions. Invitae Evidence Modeling of protein sequence and biophysical properties (such as structural, functional, and spatial information, amino acid conservation, physicochemical variation, residue mobility, and thermodynamic stability) indicates that this missense variant is not expected to disrupt RYR1 protein function with a negative predictive value of 80%. In summary, the available evidence is currently insufficient to determine the role of this variant in disease. Therefore, it has been classified as a Variant of Uncertain Significance.